The following is an entry in ClinVar:

ClinVar aggregate classification (germline): Uncertain significance. Review status: criteria provided, multiple submitters, no conflicts (2 of 4 stars). 3 submissions from 3 submitters: Uncertain significance (3). Last evaluated 2026-10-08.

Allele frequency attached by ClinVar (database versions not stated): 1000 Genomes Project 0.00020; 1000 Genomes Project 30x 0.00016.
gnomAD v4.1: 38 of 1,613,544 alleles (0.0024%); highest among the groups gnomAD compares: African/African-American, 0.019%; no homozygotes.

Submissions (3):

GeneDx
Classification: Uncertain significance. Last evaluated: 2026-10-08. Review status: criteria provided, single submitter. Criteria: GeneDx Variant Classification Process June 2021. Collection method: clinical testing. Allele origin: germline.
Comment: Has not been previously published as pathogenic or benign to our knowledge; In silico analysis suggests that this missense variant does not alter protein structure/function

Labcorp Genetics (formerly Invitae), Labcorp
Classification: Uncertain significance. Last evaluated: 2022-08-26. Review status: criteria provided, single submitter. Criteria: Invitae Variant Classification Sherloc (09022015). Collection method: clinical testing. Allele origin: germline.
Comment: This sequence change replaces glutamic acid, which is acidic and polar, with lysine, which is basic and polar, at codon 466 of the COQ8A protein (p.Glu466Lys). This variant is present in population databases (rs201134290, gnomAD 0.03%). This variant has not been reported in the literature in individuals affected with COQ8A-related conditions. Algorithms developed to predict the effect of missense changes on protein structure and function (SIFT, PolyPhen-2, Align-GVGD) all suggest that this variant is likely to be tolerated. Algorithms developed to predict the effect of sequence changes on RNA splicing suggest that this variant may disrupt the consensus splice site. In summary, the available evidence is currently insufficient to determine the role of this variant in disease. Therefore, it has been classified as a Variant of Uncertain Significance.

Blueprint Genetics
Classification: Uncertain significance. Last evaluated: 2021-07-01. Review status: criteria provided, single submitter. Criteria: ACMG Guidelines, 2015. Collection method: clinical testing. Allele origin: germline.

NM_020247.5(COQ8A):c.1396G>A (p.Glu466Lys)

Gene: COQ8A (coenzyme Q8A; plus strand). Cytogenetic location: 1q42.13.
Variant type: single nucleotide variant.
Coding change: c.1396G>A on transcript NM_020247.5 (MANE Select); coding-DNA position 1396, G replaced by A.
Protein change: p.Glu466Lys; replaces glutamic acid 466 with lysine.
Molecular consequence: missense variant.
Genome position (GRCh38, 1-based): chr1:226,984,233, G>A. VCF-style: chr1-226984233-G-A. GRCh37 (hg19) VCF-style: chr1-227171934-G-A.
Other names: c.1396G>A (NM_020247.4); short protein forms E466K.
Identifiers: ClinVar variation 2197434 (VCV002197434.4), dbSNP rs201134290, ClinGen allele CA1425458.